The following is an entry in ClinVar:

ClinVar aggregate classification (germline): Uncertain significance. Review status: criteria provided, multiple submitters, no conflicts (2 of 4 stars). 2 submissions from 2 submitters: Uncertain significance (2). Last evaluated 2025-12-13.

Conditions:
Inborn genetic diseases. Identifiers: MedGen C0950123, MeSH D030342.

Allele frequency attached by ClinVar (database versions not stated): gnomAD 0.00006; TOPMed 0.00006; gnomAD exomes 0.00025.
gnomAD v4.1: 240 of 1,092,638 alleles (0.022%); highest among the groups gnomAD compares: Non-Finnish European, 0.026%; no homozygotes.

Submissions (2):

Labcorp Genetics (formerly Invitae), Labcorp
Classification: Uncertain significance. Last evaluated: 2025-12-13. Review status: criteria provided, single submitter. Criteria: Invitae Variant Classification Sherloc (09022015). Collection method: clinical testing. Allele origin: germline.
Comment: This sequence change replaces glycine, which is neutral and non-polar, with aspartic acid, which is acidic and polar, at codon 986 of the GRIN2D protein (p.Gly986Asp). This variant is present in population databases (no rsID available, gnomAD 0.007%). This variant has not been reported in the literature in individuals affected with GRIN2D-related conditions. ClinVar contains an entry for this variant (Variation ID: 1391380). Invitae Evidence Modeling of protein sequence and biophysical properties (such as structural, functional, and spatial information, amino acid conservation, physicochemical variation, residue mobility, and thermodynamic stability) indicates that this missense variant is not expected to disrupt GRIN2D protein function with a negative predictive value of 95%. In summary, the available evidence is currently insufficient to determine the role of this variant in disease. Therefore, it has been classified as a Variant of Uncertain Significance.

Ambry Genetics
Classification: Uncertain significance for Inborn genetic diseases. Last evaluated: 2025-08-08. Review status: criteria provided, single submitter. Criteria: Ambry Variant Classification Scheme 2023. Collection method: clinical testing. Allele origin: germline.

NM_000836.4(GRIN2D):c.2957G>A (p.Gly986Asp)

Gene: GRIN2D (glutamate ionotropic receptor NMDA type subunit 2D; plus strand). Cytogenetic location: 19q13.33.
Variant type: single nucleotide variant.
Coding change: c.2957G>A on transcript NM_000836.4 (MANE Select); coding-DNA position 2957, G replaced by A.
Protein change: p.Gly986Asp; replaces glycine 986 with aspartic acid.
Molecular consequence: missense variant.
Genome position (GRCh38, 1-based): chr19:48,442,883, G>A. VCF-style: chr19-48442883-G-A. GRCh37 (hg19) VCF-style: chr19-48946140-G-A.
Other names: c.2957G>A (NM_000836.2); short protein forms G986D.
Identifiers: ClinVar variation 1391380 (VCV001391380.8), dbSNP rs926369259, ClinGen allele CA309298928.